The following is an entry in ClinVar:

ClinVar aggregate classification (germline): Pathogenic (1 of 4 stars; one submission).

Conditions:
Hereditary spastic paraplegia 11. Also called: Nakamura Osame syndrome; Autosomal recessive hereditary spastic paraplegia, mental impairment, and thin corpus callosum; SPASTIC PARAPLEGIA, AUTOSOMAL RECESSIVE, COMPLICATED, WITH THIN CORPUS CALLOSUM; SPASTIC PARAPLEGIA, AUTOSOMAL RECESSIVE, WITH MENTAL IMPAIRMENT AND THIN CORPUS CALLOSUM; Spastic Paraplegia 11; Spastic paraplegia, mental retardation and thin corpus callosum. Identifiers: Orphanet 2822, MedGen C1858479, MONDO:0011445, OMIM 604360.

Submission:

Labcorp Genetics (formerly Invitae), Labcorp
Classification: Pathogenic for Hereditary spastic paraplegia 11. Last evaluated: 2023-01-17. Review status: criteria provided, single submitter. Criteria: Invitae Variant Classification Sherloc (09022015). Collection method: clinical testing. Allele origin: germline.
Comment: This sequence change creates a premature translational stop signal (p.Gln1576Serfs*5) in the SPG11 gene. It is expected to result in an absent or disrupted protein product. Loss-of-function variants in SPG11 are known to be pathogenic (PMID: 19105190, 20110243, 22154821, 26556829). For these reasons, this variant has been classified as Pathogenic. This variant has not been reported in the literature in individuals affected with SPG11-related conditions. This variant is not present in population databases (gnomAD no frequency).

Literature cited by the submitters: PubMed 19105190; PubMed 20110243; PubMed 22154821; PubMed 26556829.

NM_025137.4(SPG11):c.4725dup (p.Gln1576fs)

Gene: SPG11 (SPG11 vesicle trafficking associated, spatacsin; minus strand). Cytogenetic location: 15q21.1.
Variant type: Duplication.
Coding change: c.4725dup on transcript NM_025137.4 (MANE Select); coding-DNA position 4725, one base duplicated (T; older notation c.4725dupT).
Protein change: p.Gln1576fs; shifts the reading frame from glutamine 1576.
Molecular consequence: frameshift variant.
Genome position (GRCh38, 1-based): chr15:44,592,349, A duplicated on the plus strand (T on the coding strand, the reverse complement: SPG11 is on the minus strand); the first of 3 consecutive A bases (chr15:44,592,349-44,592,351); duplicating any one gives the same sequence. VCF-style (leftmost placement, unchanged base first): chr15-44592348-G-GA. GRCh37 (hg19) VCF-style: chr15-44884546-G-GA.
Other names: c.4725dup, p.Gln1576fs (NM_001160227.2, NM_001411132.1); short protein forms Q1576fs.
Identifiers: ClinVar variation 2803585 (VCV002803585.3), dbSNP rs2505342376, ClinGen allele CA2628202532.